The following is an entry in ClinVar:

NM_020549.5(CHAT):c.1110_1111delAG (p.Asp371fs)

Gene: CHAT (choline O-acetyltransferase; plus strand). Cytogenetic location: 10q11.23.
Variant type: Deletion.
Coding change: c.1110_1111delAG on transcript NM_020549.5 (MANE Select); coding-DNA positions 1110 to 1111, 2 bases deleted (AG).
Protein change: p.Asp371fs; shifts the reading frame from aspartic acid 371.
Molecular consequence: frameshift variant.
Genome position (GRCh38, 1-based): chr10:49,627,784-49,627,785, AG deleted. VCF-style (leftmost placement, unchanged base first): chr10-49627783-AAG-A. GRCh37 (hg19) VCF-style: chr10-50835829-AAG-A.
Other names: c.756_757delAG, p.Asp253fs (NM_020986.4, NM_001142929.2, NM_001142934.2 and 2 more transcripts); c.864_865delAG, p.Asp289fs (NM_001142933.2); short protein forms D253fs, D289fs, D371fs.
Identifiers: ClinVar variation 2826685 (VCV002826685.3), dbSNP rs2496363164, ClinGen allele CA2739265383.

ClinVar aggregate classification (germline): Pathogenic (1 of 4 stars; one submission).

Conditions:
Familial infantile myasthenia (CMS6). Also called: MYASTHENIC SYNDROME, CONGENITAL, 6, PRESYNAPTIC; MYASTHENIC SYNDROME, PRESYNAPTIC, CONGENITAL, ASSOCIATED WITH EPISODIC APNEA; Congenital myasthenic syndrome type 6. Identifiers: Orphanet 590, MedGen C0393929, MONDO:0009689, OMIM 254210.

Submission:

Labcorp Genetics (formerly Invitae), Labcorp
Classification: Pathogenic for Familial infantile myasthenia. Last evaluated: 2023-01-06. Review status: criteria provided, single submitter. Criteria: Invitae Variant Classification Sherloc (09022015). Collection method: clinical testing. Allele origin: germline.
Comment: This variant has not been reported in the literature in individuals affected with CHAT-related conditions. For these reasons, this variant has been classified as Pathogenic. Algorithms developed to predict the effect of sequence changes on RNA splicing suggest that this variant may disrupt the consensus splice site. This variant is not present in population databases (gnomAD no frequency). This sequence change creates a premature translational stop signal (p.Asp371Leufs*11) in the CHAT gene. It is expected to result in an absent or disrupted protein product. Loss-of-function variants in CHAT are known to be pathogenic (PMID: 12548525, 21786365, 23292760).

Literature cited by the submitters: PubMed 12548525; PubMed 21786365; PubMed 23292760.